The following is an entry in ClinVar:

ClinVar aggregate classification (germline): Likely pathogenic (1 of 4 stars; one submission).

Conditions:
Arrhythmogenic right ventricular dysplasia 9 (ARVD9). Also called: Arrhythmogenic Right Ventricular Dysplasia/Cardiomyopathy 9; ARRHYTHMOGENIC RIGHT VENTRICULAR DYSPLASIA, FAMILIAL, 9. Identifiers: MedGen C1836906, MONDO:0012180, OMIM 609040.

Submission:

Juno Genomics, Hangzhou Juno Genomics, Inc
Classification: Likely pathogenic for Arrhythmogenic right ventricular dysplasia 9. Review status: criteria provided, single submitter. Criteria: ACMG Guidelines, 2015. Collection method: clinical testing. Allele origin: germline.
Comment: Absent from controls (or at extremely low frequency if recessive) in Genome Aggregation Database.;Null variant in a gene where loss of function (LOF) is a known mechanism of disease.

NM_001005242.3(PKP2):c.1289_1295del (p.Lys430fs)

Gene: PKP2 (plakophilin 2; minus strand). Cytogenetic location: 12p11.21.
Variant type: Deletion.
Coding change: c.1289_1295del on transcript NM_001005242.3 (MANE Select); coding-DNA positions 1289 to 1295, 7 bases deleted (AATTGGA; older notation c.1289_1295delAATTGGA).
Protein change: p.Lys430fs; shifts the reading frame from lysine 430.
Molecular consequence: frameshift variant.
Genome position (GRCh38, 1-based): chr12:32,850,849-32,850,855, TCCAATT deleted on the plus strand (AATTGGA on the coding strand, the reverse complement: PKP2 is on the minus strand); deleting any 7 consecutive bases within chr12:32,850,849-32,850,856 gives the same sequence; the c. name uses the placement nearest the transcript's 3' end. VCF-style (leftmost placement, unchanged base first): chr12-32850848-CTCCAATT-C. GRCh37 (hg19) VCF-style: chr12-33003782-CTCCAATT-C.
Other names: c.1289_1295del, p.Lys430fs (NM_001407155.1, NM_001407156.1, NM_001407157.1 and 2 more transcripts); c.962_968del, p.Lys321fs (NM_001407158.1, NM_001407159.1, NM_001407160.1 and 1 more transcripts); short protein forms K321fs, K430fs.
Identifiers: ClinVar variation 5019152 (VCV005019152.2).